The following is an entry in ClinVar:

NC_000019.10:g.39480819A>G

Gene: TIMM50 (translocase of inner mitochondrial membrane 50; plus strand). Cytogenetic location: 19q13.2.
Variant type: single nucleotide variant.
Genome position: GRCh38 VCF-style: chr19-39480819-A-G. GRCh37 (hg19) VCF-style: chr19-39971459-A-G.
Identifiers: ClinVar variation 1393707 (VCV001393707.5), dbSNP rs1443847410, ClinGen allele CA405785726.

ClinVar aggregate classification (germline): Uncertain significance (1 of 4 stars; one submission).

Allele frequency attached by ClinVar (database versions not stated): gnomAD exomes 0.00001; TOPMed 0.00001; gnomAD 0.00002.

Submission:

Labcorp Genetics (formerly Invitae), Labcorp
Classification: Uncertain significance. Last evaluated: 2022-04-18. Review status: criteria provided, single submitter. Criteria: Invitae Variant Classification Sherloc (09022015). Collection method: clinical testing. Allele origin: germline.
Comment: This sequence change replaces glutamic acid, which is acidic and polar, with glycine, which is neutral and non-polar, at codon 92 of the TIMM50 protein (p.Glu92Gly). This variant is present in population databases (no rsID available, gnomAD 0.003%). This variant has not been reported in the literature in individuals affected with TIMM50-related conditions. Algorithms developed to predict the effect of missense changes on protein structure and function output the following: SIFT: "Not Available"; PolyPhen-2: "Benign"; Align-GVGD: "Not Available". The glycine amino acid residue is found in multiple mammalian species, which suggests that this missense change does not adversely affect protein function. In summary, the available evidence is currently insufficient to determine the role of this variant in disease. Therefore, it has been classified as a Variant of Uncertain Significance.